The following is an entry in ClinVar:

ClinVar aggregate classification (germline): Likely pathogenic (1 of 4 stars; one submission).

Conditions:
Salla disease (SD). Also called: Less Severe FSASD (Salla Disease); Sialuria, Finnish type; N-acetylneuraminic acid (NANA) storage disease (NSD); Infantile sialic acid storage disorder (ISSD). Identifiers: Orphanet 309334, Orphanet 834, MedGen C1096903, MONDO:0011449, OMIM 604369.

Submission:

Labcorp Genetics (formerly Invitae), Labcorp
Classification: Likely pathogenic for Salla disease. Last evaluated: 2022-08-20. Review status: criteria provided, single submitter. Criteria: Invitae Variant Classification Sherloc (09022015). Collection method: clinical testing. Allele origin: germline.
Comment: This variant results in a copy number gain of the genomic region encompassing exon(s) 8-9 of the SLC17A5 gene. While the exact position of this variant cannot be determined from the data, sub-genic copy number gains are generally in tandem (PMID: 25640679). This variant is predicted to be out-of-frame, and may result in an absent or disrupted protein product. Loss-of-function variants in SLC17A5 are known to be pathogenic (PMID: 10581036, 10947946, 15172001). This variant has not been reported in the literature in individuals affected with SLC17A5-related conditions. In summary, the currently available evidence indicates that the variant is pathogenic, but additional data are needed to prove that conclusively. Therefore, this variant has been classified as Likely Pathogenic.

Literature cited by the submitters: PubMed 25640679; PubMed 10581036; PubMed 10947946; PubMed 15172001.

NC_000006.12:g.(?_73610390)_(73615457_?)dup

Gene: SLC17A5 (solute carrier family 17 member 5; minus strand). Cytogenetic location: 6q13.
Variant type: Duplication.
Identifiers: ClinVar variation 832048 (VCV000832048.5).